The following is an entry in ClinVar:

NM_000545.8(HNF1A):c.1A>C (p.Met1Leu)

Gene: HNF1A (HNF1 homeobox A; plus strand). Cytogenetic location: 12q24.31.
Variant type: single nucleotide variant.
Coding change: c.1A>C on transcript NM_000545.8 (MANE Select); coding-DNA position 1, A replaced by C.
Protein change: p.Met1Leu; changes the start codon (methionine 1).
Molecular consequence: missense variant, initiator codon variant.
Genome position (GRCh38, 1-based): chr12:120,978,769, A>C. VCF-style: chr12-120978769-A-C. GRCh37 (hg19) VCF-style: chr12-121416572-A-C.
Other names: NM_001306179.2:c.1A>C; c.1A>C, p.Met1Leu (NM_001306179.2); c.1A>C (NM_000545.5); short protein forms M1L.
Identifiers: ClinVar variation 1342948 (VCV001342948.6), dbSNP rs193922592, ClinGen allele CA386951959.

ClinVar aggregate classification (germline): Likely pathogenic. Review status: reviewed by expert panel (3 of 4 stars). 2 submissions from 2 submitters: Likely pathogenic (1). 1 of the submissions does not count toward it. Last evaluated 2022-03-04.

Conditions:
Monogenic diabetes. Identifiers: Orphanet 183625, MedGen C3888631, MONDO:0015967.

Submissions (2):

ClinGen Monogenic Diabetes Variant Curation Expert Panel
Classification: Likely pathogenic for Monogenic diabetes. Last evaluated: 2022-03-04. Review status: reviewed by expert panel. Criteria: ClinGen Diabetes ACMG Specifications v1 1. Collection method: curation. Allele origin: germline. Inheritance: Autosomal dominant inheritance.
Comment: The c.1A>C variant in the HNF1 homeobox A gene, HNF1A, results in the loss of the initiation codon (p.Met1?) of NM_000545.8. By altering the start codon of the coding sequence, this variant is predicted to cause a truncated or absent protein in a gene in which loss-of-function is an established disease mechanism (PVS1). This variant is absent from gnomAD v2.1.1 (PM2_Supporting). In summary, c.1A>C meets the criteria to be classified as likely pathogenic for monogenic diabetes. ACMG/AMP criteria applied, as specified by the ClinGen MDEP (specification version 1.1, approved 9/30/2021): PVS1, PM2_Supporting

GeneDx
Classification: Pathogenic. Last evaluated: 2026-06-03. Review status: criteria provided, single submitter. Criteria: GeneDx Variant Classification Process June 2021. Collection method: clinical testing. Allele origin: germline. Not counted in ClinVar's aggregate classification.
Comment: Reported in association with MODY in published literature (PMID: 18003757); proband clinical information not provided; Initiation codon variant in a gene for which loss of function is a known mechanism of disease; Not observed at significant frequency in large population cohorts (gnomAD); This variant is associated with the following publications: (PMID: 18003757)